The following is an entry in ClinVar:

NC_000002.11:g.(178682653_178684946)_(178685023_178704977)del

Gene: PDE11A (phosphodiesterase 11A; minus strand). Cytogenetic location: 2q31.2.
Variant type: Deletion.
Identifiers: ClinVar variation 3339184 (VCV003339184.1).

ClinVar aggregate classification (germline): Uncertain significance (1 of 4 stars; one submission).

Submission:

Women's Health and Genetics/Laboratory Corporation of America, LabCorp
Classification: Uncertain significance. Last evaluated: 2024-07-02. Review status: criteria provided, single submitter. Criteria: LabCorp Variant Classification Summary - May 2015. Collection method: clinical testing. Allele origin: germline.
Comment: Variant summary: The variant involves the deletion of exon 7 in the PDE11A gene. A presumed nomenclature of c.(1500+1_1501-1)_(1576+1_1577-1)del has been designated for the purposes of this classification. This Copy Number Variant (CNV) is expected to alter the reading frame and predicted to result in a truncation or absence of the encoded protein due to nonsense mediated decay (NMD). However, current evidence is not sufficient to establish whether loss-of-function variants in PDE11A cause disease. The variant allele was found at a frequency of 7.5e-05 in 120780 control chromosomes (i.e. found in 9 carriers) in the gnomAD database (Structural Variants v4.1 dataset). The available data on variant occurrences in the general population are insufficient to allow any conclusion about variant significance. To our knowledge, no occurrence of c.(1500+1_1501-1)_(1576+1_1577-1)del in individuals affected with Pigmented Nodular Adrenocortical Disease, Primary, 2 and no experimental evidence demonstrating its impact on protein function have been reported. No submitters have cited clinical-significance assessments for this variant to ClinVar. Based on the evidence outlined above, the variant was classified as uncertain significance.